The following is an entry in ClinVar:

NM_133379.5(TTN):c.16529del (p.Val5510fs)

Gene: TTN (titin; minus strand). Cytogenetic location: 2q31.2.
Variant type: Deletion.
Coding change: c.16529del on transcript NM_133379.5; coding-DNA position 16529, one base deleted (T; older notation c.16529delT).
Protein change: p.Val5510fs; shifts the reading frame from valine 5510.
Molecular consequence: frameshift variant. On other transcripts: intron variant (6).
Genome position (GRCh38, 1-based): chr2:178,745,871, A deleted on the plus strand (T on the coding strand, the reverse complement: TTN is on the minus strand). VCF-style (leftmost placement, unchanged base first): chr2-178745870-CA-C. GRCh37 (hg19) VCF-style: chr2-179610597-CA-C.
Other names: c.16529del (LRG_391t2); c.10223-3950del (NM_003319.4); c.10799-3950del (NM_133437.4); c.10598-3950del (NM_133432.3); c.10360+7253del (NM_133378.4); c.10361-3950del (NM_001256850.1); c.11312-3950del (NM_001267550.2); short protein forms V5510fs.
Identifiers: ClinVar variation 223363 (VCV000223363.3), dbSNP rs774991940, ClinGen allele CA090618.

ClinVar aggregate classification (germline): Uncertain significance. Review status: criteria provided, multiple submitters, no conflicts (2 of 4 stars). 3 submissions from 3 submitters: Uncertain significance (3). Last evaluated 2022-01-28.

Conditions:
Autosomal recessive limb-girdle muscular dystrophy type 2J (LGMDR10). Also called: MUSCULAR DYSTROPHY, LIMB-GIRDLE, AUTOSOMAL RECESSIVE 10; Limb-girdle muscular dystrophy, type 2J. Identifiers: Orphanet 140922, MedGen C1837342, MONDO:0012127, OMIM 608807.
Tibial muscular dystrophy (TMD). Also called: Udd Distal Myopathy – Tibial Muscular Dystrophy; UDD MYOPATHY; Tibial muscular dystrophy, tardive. Identifiers: Orphanet 609, MedGen C1838244, MONDO:0010870, OMIM 600334.
Dilated cardiomyopathy 1G (CMD1G). Identifiers: Orphanet 154, MedGen C1858763, MONDO:0011400, OMIM 604145.
Early-onset myopathy with fatal cardiomyopathy (CMYO5). Also called: CONGENITAL MYOPATHY 5 WITH CARDIOMYOPATHY; Salih Myopathy. Identifiers: Orphanet 289377, MedGen C2673677, MONDO:0012714, OMIM 611705. Disease mechanism: loss of function.
Myopathy, myofibrillar, 9, with early respiratory failure (MFM9). Also called: EDSTROM MYOPATHY; MYOPATHY, PROXIMAL, WITH EARLY RESPIRATORY MUSCLE INVOLVEMENT; Hereditary myopathy with early respiratory failure; Myopathy, distal, with early respiratory failure, autosomal dominant. Identifiers: Orphanet 178464, Orphanet 34521, MedGen C1863599, MONDO:0011362, OMIM 603689.
Hypertrophic cardiomyopathy 9. Also called: Familial hypertrophic cardiomyopathy 9. Identifiers: MedGen C1861065, MONDO:0013412, OMIM 613765.
Primary dilated cardiomyopathy (DCM). Also called: Dilated Cardiomyopathy. Identifiers: Orphanet 217604, MedGen C0007193, MeSH D002311, MONDO:0005021, HP:0001644. Inheritance: Various modes of inheritance.

Allele frequency attached by ClinVar (database versions not stated): ExAC 0.00001; gnomAD 0.00001; gnomAD exomes 0.00001; TOPMed 0.00002; ESP Exome Variant Server 0.00008.

Submissions (3):

AiLife Diagnostics
Classification: Uncertain significance. Last evaluated: 2022-01-28. Review status: criteria provided, single submitter. Criteria: ACMG Guidelines, 2015. Collection method: clinical testing. Allele origin: germline. Affected: yes. Observed: 1 variant allele.

Fulgent Genetics
Classification: Uncertain significance for Tibial muscular dystrophy; Myopathy, myofibrillar, 9, with early respiratory failure; Dilated cardiomyopathy 1G; Autosomal recessive limb-girdle muscular dystrophy type 2J; Early-onset myopathy with fatal cardiomyopathy; Hypertrophic cardiomyopathy 9. Last evaluated: 2021-08-25. Review status: criteria provided, single submitter. Criteria: ACMG Guidelines, 2015. Collection method: clinical testing. Allele origin: unknown.

Cardiovascular Biomedical Research Unit, Royal Brompton & Harefield NHS Foundation Trust
Classification: Uncertain significance for Primary dilated cardiomyopathy. Last evaluated: 2014-10-08. Review status: criteria provided, single submitter. Criteria: Roberts et al. 2015. Collection method: research. Allele origin: germline. Inheritance: Autosomal dominant inheritance. Affected: no. Observed: 1 variant allele. Study: WHI cohort.
Comment: It affects only the Novex-3 isoform, which does not span the sarcomere and has not been implicated in DCM. In the seven cohorts assessed, TTNtv were found in 14% of ambulant DCM, 22% end-stage or familial DCM, and 2% controls. Heterozygous nonsense, frameshift and canonical splice-disrupting variants found in constitutive and other highly utilised exons are highly likely to be pathogenic when identified in individuals with phenotypically confirmed DCM. TTNtv found incidentally in healthy individuals (excluding familial assessment of DCM relatives) are thought to have low penetrance, particularly when identified in exons that are not constitutively expressed in the heart.